The following is an entry in ClinVar:

ClinVar aggregate classification (germline): Conflicting classifications of pathogenicity. Review status: criteria provided, conflicting classifications (1 of 4 stars). 3 submissions from 3 submitters: Likely pathogenic (1); Uncertain significance (1). 1 of the submissions does not count toward it. Last evaluated 2024-02-08.

Conditions:
TBX5-related disorder. Also called: TBX5-related condition.

Submissions (3):

GeneDx
Classification: Likely pathogenic. Last evaluated: 2024-02-08. Review status: criteria provided, single submitter. Criteria: GeneDx Variant Classification Process June 2021. Collection method: clinical testing. Allele origin: germline. Affected: yes.
Comment: Alters the last nucleotide of the exon and is predicted to destroy the splice donor site and result in aberrant splicing, although in the absence of functional evidence the actual effect of this sequence change is unknown; Not observed at significant frequency in large population cohorts (gnomAD); Has not been previously published as pathogenic or benign to our knowledge

Blueprint Genetics
Classification: Uncertain significance. Last evaluated: 2021-10-25. Review status: criteria provided, single submitter. Criteria: ACMG Guidelines, 2015. Collection method: clinical testing. Allele origin: germline.

PreventionGenetics, part of Exact Sciences
Classification: Likely pathogenic for TBX5-related condition. Last evaluated: 2024-08-01. Review status: no assertion criteria provided. Collection method: clinical testing. Allele origin: germline. Not counted in ClinVar's aggregate classification.
Comment: The TBX5 c.755G>A variant is predicted to result in the amino acid substitution p.Ser252Asn. To our knowledge, this variant has not been reported in the literature or in a large population database, indicating this variant is rare. A different substitution affecting the same amino acid (p.Ser252Ile) has been in association with Holt-Oram syndrome (Fan et al. 2003. PubMed ID: 12499378; Fan et al. 2009. PubMed ID: 19648116). Taken together, the c.755G>A (p.Ser252Asn) variant is interpreted as likely pathogenic.

NM_181486.4(TBX5):c.755G>A (p.Ser252Asn)

Gene: TBX5 (T-box transcription factor 5; minus strand). Cytogenetic location: 12q24.21.
Variant type: single nucleotide variant.
Coding change: c.755G>A on transcript NM_181486.4 (MANE Select); coding-DNA position 755, G replaced by A.
Protein change: p.Ser252Asn; replaces serine 252 with asparagine.
Molecular consequence: missense variant.
Genome position (GRCh38, 1-based): chr12:114,385,476, C>T on the plus strand (G>A on the coding strand, the complement: TBX5 is on the minus strand). VCF-style: chr12-114385476-C-T. GRCh37 (hg19) VCF-style: chr12-114823281-C-T.
Other names: p.S252N:AGT>AAT; c.755G>A, p.Ser252Asn (NM_000192.3); c.605G>A, p.Ser202Asn (NM_080717.4); short protein forms S252N, S202N.
Identifiers: ClinVar variation 213819 (VCV000213819.5), dbSNP rs863223776, ClinGen allele CA323524.
Genomic context (GRCh38, chr12:114,385,476, plus strand): 5'-TTACCTGGGTAATTTGAGGGGTATGTGGGGAGGAGAAAGTTGAGGAATCCACTTTCCTAC[C>T]TTTGCATTCTTGACATTCTGTGCAGCTCCATGTCATCACTGCCCCGAAATCCTTTGGCAA-3'
Protein context (NP_852259.1, residues 242-262): MELHRMSRMQ[Ser252Asn]KEYPVVPRST